The following is an entry in ClinVar:

NM_001267550.2(TTN):c.44824G>A (p.Val14942Met)

Gene: TTN (titin; minus strand). Cytogenetic location: 2q31.2.
Variant type: single nucleotide variant.
Coding change: c.44824G>A on transcript NM_001267550.2 (MANE Select); coding-DNA position 44824, G replaced by A.
Protein change: p.Val14942Met; replaces valine 14942 with methionine.
Molecular consequence: missense variant.
Genome position (GRCh38, 1-based): chr2:178,622,759, C>T on the plus strand (G>A on the coding strand, the complement: TTN is on the minus strand). VCF-style: chr2-178622759-C-T. GRCh37 (hg19) VCF-style: chr2-179487486-C-T.
Other names: c.39901G>A, p.Val13301Met (NM_001256850.1); c.17629G>A, p.Val5877Met (NM_003319.4); c.37120G>A, p.Val12374Met (NM_133378.4); c.18004G>A, p.Val6002Met (NM_133432.3); c.18205G>A, p.Val6069Met (NM_133437.4); short protein forms V12374M, V14942M, V5877M, V6069M, V13301M, V6002M.
Identifiers: ClinVar variation 191963 (VCV000191963.6), dbSNP rs786205391, ClinGen allele CA237976.

ClinVar aggregate classification (germline): Conflicting classifications of pathogenicity. Review status: criteria provided, conflicting classifications (1 of 4 stars). 2 submissions from 2 submitters: Uncertain significance (1); Likely benign (1). Last evaluated 2026-04-16.

Conditions:
Cardiovascular phenotype. Identifiers: MedGen CN230736.

Allele frequency attached by ClinVar (database versions not stated): gnomAD exomes below 0.00001.
gnomAD v4.1: 1 of 1,599,218 alleles (0.000063%); highest among the groups gnomAD compares: Non-Finnish European, 0.000085%; no homozygotes.

Submissions (2):

Ambry Genetics
Classification: Likely benign for Cardiovascular phenotype. Last evaluated: 2026-04-16. Review status: criteria provided, single submitter. Criteria: Ambry Variant Classification Scheme 2023. Collection method: clinical testing. Allele origin: germline.

Biesecker Lab/Clinical Genomics Section, National Institutes of Health
Classification: Uncertain significance. Last evaluated: 2013-06-24. Review status: criteria provided, single submitter. Criteria: Ng et al. (Circ Cardiovasc Genet. 2013). Collection method: research. Allele origin: unknown. Observed: 1 variant allele. Study: ClinSeq.
Comment: The study set was not selected for affection status in relation to any cancer. Pathogenicity categories were based on literature curation. See Pubmed ID:23861362 for details.

Medical sequencing

Literature cited by the submitters: PubMed 23861362 (cited by Ambry Genetics).